The following is an entry in ClinVar:

NC_000001.11:g.155208308_155208441del

Genes: GBA1 (glucosylceramidase beta 1; minus strand), THBS3 (thrombospondin 3; minus strand). Cytogenetic location: 1q22.
Variant type: Deletion.
Molecular consequence: intron variant (on NM_001407561.1).
Genome position: GRCh38: chr1:155,208,308-155,208,441. GRCh37 (hg19): chr1:155,178,099-155,178,232.
Other names: c.-584+466_-584+599del (NM_001407561.1); c.-36+466_-36+599del (NM_001407558.1, NM_001407556.1); c.-466+466_-466+599del (NM_001407559.1); c.-134+466_-134+599del (NM_001407557.1).
Identifiers: ClinVar variation 3340468 (VCV003340468.2).

ClinVar aggregate classification (germline): Uncertain significance (1 of 4 stars; one submission).

Conditions:
Gaucher disease type I (GD1). Also called: Type 1 Gaucher Disease; GD 1; ACID BETA-GLUCOSIDASE DEFICIENCY; GAUCHER DISEASE, NONCEREBRAL JUVENILE; GBA DEFICIENCY; GD I. Identifiers: Orphanet 355, Orphanet 77259, MedGen C1961835, MONDO:0009265, OMIM 230800.

Submission:

Foundation for Research in Genetics and Endocrinology, FRIGE's Institute of Human Genetics
Classification: Uncertain significance for Gaucher disease type I. Last evaluated: 2024-06-05. Review status: criteria provided, single submitter. Criteria: ACMG Guidelines, 2015. Collection method: clinical testing. Allele origin: germline. Inheritance: Autosomal recessive inheritance. Affected: yes. Observed: 1 homozygote.
Comment: A Homozygous deletion in exon 5 of the GBA gene was detected. The observed variant chr1:g.(?_155208308-155208441_?) del has not been reported in the 1000 genomes and gnomAD databases. In summary, the variant meets our criteria to be classified as variant of uncertain significance.